The following is an entry in ClinVar:

ClinVar aggregate classification (germline): Uncertain significance (1 of 4 stars; one submission).

Conditions:
CHARGE syndrome (CHARGE). Also called: Hittner Hirsch Kreh syndrome; CHARGE ASSOCIATION--COLOBOMA, HEART ANOMALY, CHOANAL ATRESIA, RETARDATION, GENITAL AND EAR ANOMALIES; Coloboma, heart anomaly, choanal atresia, retardation, genital and ear anomalies; CHARGE association; Hall-Hittner syndrome. Identifiers: Orphanet 138, MedGen C0265354, MONDO:0008965.

Submission:

Victorian Clinical Genetics Services, Murdoch Childrens Research Institute
Classification: Uncertain significance for CHARGE syndrome. Last evaluated: 2020-05-25. Review status: criteria provided, single submitter. Criteria: ACMG Guidelines, 2015. Collection method: clinical testing. Allele origin: germline. Inheritance: Autosomal dominant inheritance.
Comment: Based on the classification scheme VCGS_Germline_v1.1.1, this variant is classified as VUS – 3C. Following criteria are met: 0102 - Loss-of-function is a known mechanism of disease for this gene. (N) 0107 - This gene is known to be associated with autosomal dominant disease. (N) 0200 - Variant is predicted to result in a missense amino acid change from a threonine to a proline (exon 38). (N) 0251 - Variant is heterozygous. (N) 0301 - Variant is absent from gnomAD. (P) 0309 - An alternative amino acid change at the same position has been observed in gnomAD (1 heterozygote, 0 homozygote). (N) 0503 - Missense variant with conflicting in silicos and not conserved in mammals with a minor amino acid change. (B) 0604 - Variant is not located in an established domain, motif, hotspot or informative constraint region. (N) 0705 - No comparable variants have previous evidence for pathogenicity. (N) 0807 - Variant has not previously been reported in a clinical context. (N) 0905 - No segregation evidence has been identified for this variant. (N) 1007 - No published functional evidence has been identified for this variant. (N) 1208 - Inheritance information for this variant is not currently available. (N) Legend: (P) - Pathogenic, (N) - Neutral, (B) - Benign

NM_017780.4(CHD7):c.8470A>C (p.Thr2824Pro)

Gene: CHD7 (chromodomain helicase DNA binding protein 7; plus strand). Cytogenetic location: 8q12.2.
Variant type: single nucleotide variant.
Coding change: c.8470A>C on transcript NM_017780.4 (MANE Select); coding-DNA position 8470, A replaced by C.
Protein change: p.Thr2824Pro; replaces threonine 2824 with proline.
Molecular consequence: missense variant.
Genome position (GRCh38, 1-based): chr8:60,865,409, A>C. VCF-style: chr8-60865409-A-C. GRCh37 (hg19) VCF-style: chr8-61777968-A-C.
Other names: c.2323A>C, p.Thr775Pro (NM_001316690.1); short protein forms T2824P, T775P.
Identifiers: ClinVar variation 1805559 (VCV001805559.1), dbSNP rs1478846467, ClinGen allele CA371309689.